The following is an entry in ClinVar:

ClinVar aggregate classification (germline): Conflicting classifications of pathogenicity. Review status: criteria provided, conflicting classifications (1 of 4 stars). 2 submissions from 2 submitters: Uncertain significance (1); Likely benign (1). Last evaluated 2025-05-30.

Conditions:
Familial cancer of breast. Also called: BREAST CANCER, FAMILIAL; Hereditary breast cancer; hereditary breast carcinoma. Identifiers: Orphanet 227535, MedGen C0346153, MONDO:0016419, OMIM 114480. Disease mechanism: loss of function.
Hereditary cancer-predisposing syndrome. Also called: Tumor predisposition; Hereditary neoplastic syndrome; Neoplastic Syndromes, Hereditary; Hereditary Cancer Syndrome. Identifiers: Orphanet 140162, MedGen C0027672, MeSH D009386, MONDO:0015356.

Submissions (2):

Ambry Genetics
Classification: Likely benign for Hereditary cancer-predisposing syndrome. Last evaluated: 2025-05-30. Review status: criteria provided, single submitter. Criteria: Ambry Variant Classification Scheme 2023. Collection method: clinical testing. Allele origin: germline.

Labcorp Genetics (formerly Invitae), Labcorp
Classification: Uncertain significance for Familial cancer of breast. Last evaluated: 2025-03-02. Review status: criteria provided, single submitter. Criteria: Invitae Variant Classification Sherloc (09022015). Collection method: clinical testing. Allele origin: germline.
Comment: This sequence change replaces cysteine, which is neutral and slightly polar, with tyrosine, which is neutral and polar, at codon 396 of the PALB2 protein (p.Cys396Tyr). This variant is not present in population databases (gnomAD no frequency). This variant has not been reported in the literature in individuals affected with PALB2-related conditions. ClinVar contains an entry for this variant (Variation ID: 1495101). Invitae Evidence Modeling of protein sequence and biophysical properties (such as structural, functional, and spatial information, amino acid conservation, physicochemical variation, residue mobility, and thermodynamic stability) indicates that this missense variant is not expected to disrupt PALB2 protein function with a negative predictive value of 80%. In summary, the available evidence is currently insufficient to determine the role of this variant in disease. Therefore, it has been classified as a Variant of Uncertain Significance.

NM_024675.4(PALB2):c.1187G>A (p.Cys396Tyr)

Gene: PALB2 (partner and localizer of BRCA2; minus strand). Cytogenetic location: 16p12.2.
Variant type: single nucleotide variant.
Coding change: c.1187G>A on transcript NM_024675.4 (MANE Select); coding-DNA position 1187, G replaced by A.
Protein change: p.Cys396Tyr; replaces cysteine 396 with tyrosine.
Molecular consequence: missense variant.
Genome position (GRCh38, 1-based): chr16:23,635,359, C>T on the plus strand (G>A on the coding strand, the complement: PALB2 is on the minus strand). VCF-style: chr16-23635359-C-T. GRCh37 (hg19) VCF-style: chr16-23646680-C-T.
Other names: c.1187G>A (NM_024675.3); short protein forms C396Y.
Identifiers: ClinVar variation 1495101 (VCV001495101.8), dbSNP rs2142423374, ClinGen allele CA395133312.